The following is an entry in ClinVar:

NM_138713.4(NFAT5):c.3893C>T (p.Ala1298Val)

Gene: NFAT5 (nuclear factor of activated T cells 5; plus strand). Cytogenetic location: 16q22.1.
Variant type: single nucleotide variant.
Coding change: c.3893C>T on transcript NM_138713.4 (MANE Select); coding-DNA position 3893, C replaced by T.
Protein change: p.Ala1298Val; replaces alanine 1298 with valine.
Molecular consequence: missense variant.
Genome position (GRCh38, 1-based): chr16:69,693,718, C>T. VCF-style: chr16-69693718-C-T. GRCh37 (hg19) VCF-style: chr16-69727621-C-T.
Other names: c.3890C>T, p.Ala1297Val (NM_001113178.3); c.3218C>T, p.Ala1073Val (NM_001367709.1); c.3839C>T, p.Ala1280Val (NM_006599.4); c.3611C>T, p.Ala1204Val (NM_138714.4, NM_173214.3, NM_173215.3); short protein forms A1204V, A1280V, A1298V, A1073V, A1297V.
Identifiers: ClinVar variation 1517211 (VCV001517211.8), dbSNP rs2037653444, ClinGen allele CA396514447.

ClinVar aggregate classification (germline): Uncertain significance (1 of 4 stars; one submission).

Conditions:
Immunodeficiency. Identifiers: MedGen C0021051, MONDO:0021094, HP:0002721.

Allele frequency attached by ClinVar (database versions not stated): gnomAD exomes 0.00001.
gnomAD v4.1: 5 of 1,614,192 alleles (0.00031%); highest among the groups gnomAD compares: Middle Eastern, 0.016%; no homozygotes.

Submission:

Labcorp Genetics (formerly Invitae), Labcorp
Classification: Uncertain significance for Immunodeficiency. Last evaluated: 2023-07-07. Review status: criteria provided, single submitter. Criteria: Invitae Variant Classification Sherloc (09022015). Collection method: clinical testing. Allele origin: germline.
Comment: This variant is not present in population databases (gnomAD no frequency). This sequence change replaces alanine, which is neutral and non-polar, with valine, which is neutral and non-polar, at codon 1204 of the NFAT5 protein (p.Ala1204Val). This variant has not been reported in the literature in individuals affected with NFAT5-related conditions. In summary, the available evidence is currently insufficient to determine the role of this variant in disease. Therefore, it has been classified as a Variant of Uncertain Significance. An algorithm developed to predict the effect of missense changes on protein structure and function (PolyPhen-2) suggests that this variant is likely to be tolerated. ClinVar contains an entry for this variant (Variation ID: 1517211).